The following is an entry in ClinVar:

NM_005422.4(TECTA):c.2726G>A (p.Arg909His)

Genes: TBCEL-TECTA (TBCEL-TECTA readthrough; plus strand), TECTA (tectorin alpha; plus strand), LOC126861365 (P300/CBP strongly-dependent group 1 enhancer GRCh37_chr11:121000154-121001353; plus strand). Cytogenetic location: 11q23.3.
Variant type: single nucleotide variant.
Coding change: c.2726G>A on transcript NM_005422.4 (MANE Select); coding-DNA position 2726, G replaced by A.
Protein change: p.Arg909His; replaces arginine 909 with histidine.
Molecular consequence: missense variant.
Genome position (GRCh38, 1-based): chr11:121,129,996, G>A. VCF-style: chr11-121129996-G-A. GRCh37 (hg19) VCF-style: chr11-121000705-G-A.
Other names: c.3683G>A, p.Arg1228His (NM_001378761.1); short protein forms R909H, R1228H.
Identifiers: ClinVar variation 517481 (VCV000517481.6), dbSNP rs750620981, ClinGen allele CA6327052.
Genomic context (GRCh38, chr11:121,129,996, plus strand): 5'-GTGGGGACCTGCTGAAGGCCTGCAACAATGACTCGGAGCTGCTCAAGTTTTATCGAAGCC[G>A]CTCCAGGTGCGGCATCATCAACGACCCCTCCAACAGCTCCTTCCTGGAGTGCCATGGGGT-3'
Protein context (NP_005413.2, residues 899-919): DSELLKFYRS[Arg909His]SRCGIINDPS

ClinVar aggregate classification (germline): Uncertain significance. Review status: criteria provided, multiple submitters, no conflicts (2 of 4 stars). 2 submissions from 2 submitters: Uncertain significance (2). Last evaluated 2024-05-02.

Conditions:
Inborn genetic diseases. Identifiers: MedGen C0950123, MeSH D030342.

Allele frequency attached by ClinVar (database versions not stated): gnomAD 0.00002; gnomAD exomes 0.00002; ExAC 0.00003; TOPMed 0.00003.
gnomAD v4.1: 19 of 1,605,950 alleles (0.0012%); highest among the groups gnomAD compares: East Asian, 0.0067%; no homozygotes.

Submissions (2):

Ambry Genetics
Classification: Uncertain significance for Inborn genetic diseases. Last evaluated: 2024-05-02. Review status: criteria provided, single submitter. Criteria: Ambry Variant Classification Scheme 2023. Collection method: clinical testing. Allele origin: germline.

Laboratory for Molecular Medicine, Mass General Brigham Personalized Medicine
Classification: Uncertain significance. Last evaluated: 2017-07-13. Review status: criteria provided, single submitter. Criteria: LMM Criteria. Collection method: clinical testing. Allele origin: germline. Observed: 1 variant allele.
Comment: The p.Arg909His variant in TECTA has not been previously reported in individuals with hearing loss, but has been identified in 4/109684 European chromosomes by the Genome Aggregation Database (gnomAD; dbSN P rs750620981). Although this variant has been seen in the general population, i ts frequency is not high enough to rule out a pathogenic role. Computational pre diction tools and conservation analyses suggest that this variant may not impact the protein, though this information is not predictive enough to rule out patho genicity. In summary, the clinical significance of the p.Arg909His variant is un certain.